The following is an entry in ClinVar:

ClinVar aggregate classification (germline): Uncertain significance. Review status: criteria provided, multiple submitters, no conflicts (2 of 4 stars). 3 submissions from 3 submitters: Uncertain significance (3). Last evaluated 2025-11-03.

Conditions:
Catecholaminergic polymorphic ventricular tachycardia (CVPT). Also called: Catecholamine-induced polymorphic ventricular tachycardia. Identifiers: Orphanet 3286, MedGen C5574922, MONDO:0017990.
Cardiomyopathy (CMYO). Also called: Cardiomyopathies. Identifiers: Orphanet 167848, MedGen C0878544, MONDO:0004994, HP:0001638. Inheritance: Various modes of inheritance.
Catecholaminergic polymorphic ventricular tachycardia 1. Also called: VENTRICULAR TACHYCARDIA, CATECHOLAMINERGIC POLYMORPHIC, 1, WITH OR WITHOUT ATRIAL DYSFUNCTION AND/OR DILATED CARDIOMYOPATHY; RYR2-Related Catecholaminergic Polymorphic Ventricular Tachycardia; VENTRICULAR TACHYCARDIA, STRESS-INDUCED POLYMORPHIC 1. Identifiers: Orphanet 3286, MedGen C1631597, MONDO:0011484, OMIM 604772.

Allele frequency attached by ClinVar (database versions not stated): gnomAD exomes below 0.00001 and 0.00001; ExAC 0.00001.
gnomAD v4.1: 5 of 1,612,928 alleles (0.00031%); highest among the groups gnomAD compares: South Asian, 0.0044%; no homozygotes.

Submissions (3):

Labcorp Genetics (formerly Invitae), Labcorp
Classification: Uncertain significance for Catecholaminergic polymorphic ventricular tachycardia 1. Last evaluated: 2025-11-03. Review status: criteria provided, single submitter. Criteria: Invitae Variant Classification Sherloc (09022015). Collection method: clinical testing. Allele origin: germline.
Comment: This sequence change replaces asparagine, which is neutral and polar, with histidine, which is basic and polar, at codon 635 of the RYR2 protein (p.Asn635His). This variant is present in population databases (rs768241033, gnomAD 0.003%). This variant has not been reported in the literature in individuals affected with RYR2-related conditions. ClinVar contains an entry for this variant (Variation ID: 920061). Invitae Evidence Modeling of protein sequence and biophysical properties (such as structural, functional, and spatial information, amino acid conservation, physicochemical variation, residue mobility, and thermodynamic stability) indicates that this missense variant is not expected to disrupt RYR2 protein function with a negative predictive value of 95%. In summary, the available evidence is currently insufficient to determine the role of this variant in disease. Therefore, it has been classified as a Variant of Uncertain Significance.

All of Us Research Program, National Institutes of Health
Classification: Uncertain significance for Catecholaminergic polymorphic ventricular tachycardia. Last evaluated: 2024-06-09. Review status: criteria provided, single submitter. Criteria: ACMG Guidelines, 2015. Collection method: clinical testing. Allele origin: germline. Inheritance: Autosomal dominant inheritance. Observed: 1 variant allele, 1 heterozygote.
Comment: This missense variant replaces asparagine with histidine at codon 635 of the RYR2 protein. Computational prediction tool suggests that this variant may not impact protein structure and function (internally defined REVEL score threshold <=0.5, PMID: 27666373). Splice site prediction tools suggest that this variant may not impact RNA splicing. To our knowledge, functional studies have not been performed for this variant. This variant has not been reported in individuals affected with cardiovascular disorders in the literature. This variant has been identified in 2/247416 chromosomes in the general population by the Genome Aggregation Database (gnomAD). The available evidence is insufficient to determine the role of this variant in disease conclusively. Therefore, this variant is classified as a Variant of Uncertain Significance.

This study involves interpretation of variants in research participants for the purpose of population health screening. Participant phenotype was not available at the time of variant classification. Additional details can be found in publication PMID: 35346344, PMCID: PMC8962531

Color Diagnostics, LLC DBA Color Health
Classification: Uncertain significance for Cardiomyopathy. Last evaluated: 2024-03-06. Review status: criteria provided, single submitter. Criteria: ACMG Guidelines, 2015. Collection method: clinical testing. Allele origin: germline.
Comment: This missense variant replaces asparagine with histidine at codon 635 of the RYR2 protein. Computational prediction suggests that this variant may not impact protein structure and function (internally defined REVEL score threshold <= 0.5, PMID: 27666373). To our knowledge, functional studies have not been reported for this variant. This variant has not been reported in individuals affected with RYR2-related disorders in the literature. This variant has been identified in 2/247416 chromosomes in the general population by the Genome Aggregation Database (gnomAD). The available evidence is insufficient to determine the role of this variant in disease conclusively. Therefore, this variant is classified as a Variant of Uncertain Significance.

NM_001035.3(RYR2):c.1903A>C (p.Asn635His)

Gene: RYR2 (ryanodine receptor 2; plus strand). Cytogenetic location: 1q43.
Variant type: single nucleotide variant.
Coding change: c.1903A>C on transcript NM_001035.3 (MANE Select); coding-DNA position 1903, A replaced by C.
Protein change: p.Asn635His; replaces asparagine 635 with histidine.
Molecular consequence: missense variant.
Genome position (GRCh38, 1-based): chr1:237,493,029, A>C. VCF-style: chr1-237493029-A-C. GRCh37 (hg19) VCF-style: chr1-237656329-A-C.
Other names: short protein forms N635H.
Identifiers: ClinVar variation 920061 (VCV000920061.9), dbSNP rs768241033, ClinGen allele CA085910.
Genomic context (GRCh38, chr1:237,493,029, plus strand): 5'-TGCTCACTCTGTGTTTGCCACGGGGTTGCAGTCCGTTCTAACCAGCATCTCATCTGTGAC[A>C]ATCTCCTACCAGGAAGAGACTTGTTATTGCAGACACGTCTTGTGAACCATGTCAGCAGGT-3'
Protein context (NP_001026.2, residues 625-645): VRSNQHLICD[Asn635His]LLPGRDLLLQ